The following is an entry in ClinVar:

NM_006348.5(COG5):c.1053A>T (p.Thr351=)

Gene: COG5 (component of oligomeric golgi complex 5; minus strand). Cytogenetic location: 7q22.3.
Variant type: single nucleotide variant.
Coding change: c.1053A>T on transcript NM_006348.5 (MANE Select); coding-DNA position 1053, A replaced by T.
Protein change: p.Thr351=; no amino-acid change (threonine 351 retained).
Molecular consequence: synonymous variant. On other transcripts: intron variant (1).
Genome position (GRCh38, 1-based): chr7:107,324,495, T>A on the plus strand (A>T on the coding strand, the complement: COG5 is on the minus strand). VCF-style: chr7-107324495-T-A. GRCh37 (hg19) VCF-style: chr7-106964940-T-A.
Other names: c.1053A>T, p.Thr351= (NM_001161520.2, NM_001379511.1, NM_001379512.1 and 3 more transcripts); c.339A>T, p.Thr113= (NM_001379516.1); c.539-26149A>T (NM_001379515.1).
Identifiers: ClinVar variation 2657930 (VCV002657930.24), dbSNP rs367726253, ClinGen allele CA4431018.

ClinVar aggregate classification (germline): Likely benign (1 of 4 stars; one submission).

Allele frequency attached by ClinVar (database versions not stated): ExAC 0.00001; gnomAD 0.00001; TOPMed 0.00001; ESP Exome Variant Server 0.00008.
gnomAD v4.1: 1 of 1,605,982 alleles (0.000062%); highest among the groups gnomAD compares: Non-Finnish European, 0.000085%; no homozygotes.

Submission:

CeGaT Center for Human Genetics Tuebingen
Classification: Likely benign. Last evaluated: 2023-07-01. Review status: criteria provided, single submitter. Criteria: CeGaT Center For Human Genetics Tuebingen Variant Classification Criteria Version 2. Collection method: clinical testing. Allele origin: germline. Affected: yes. Observed: 1 variant allele.
Comment: COG5: BP4, BP7